The following is an entry in ClinVar:

NM_004655.4(AXIN2):c.802G>A (p.Asp268Asn)

Gene: AXIN2 (axin 2; minus strand). Cytogenetic location: 17q24.1.
Variant type: single nucleotide variant.
Coding change: c.802G>A on transcript NM_004655.4 (MANE Select); coding-DNA position 802, G replaced by A.
Protein change: p.Asp268Asn; replaces aspartic acid 268 with asparagine.
Molecular consequence: missense variant.
Genome position (GRCh38, 1-based): chr17:65,557,819, C>T on the plus strand (G>A on the coding strand, the complement: AXIN2 is on the minus strand). VCF-style: chr17-65557819-C-T. GRCh37 (hg19) VCF-style: chr17-63553937-C-T.
Other names: c.802G>A (LRG_296t1); c.802G>A, p.Asp268Asn (NM_001363813.1); short protein forms D268N.
Identifiers: ClinVar variation 418052 (VCV000418052.15), dbSNP rs745659837, ClinGen allele CA8718986.
Genomic context (GRCh38, chr17:65,557,819, plus strand): 5'-CTGCAAAGTCCACAGCATCAGCCCACCCGCCCCCGTCAAAGTCTTACCTGTATCCACTGT[C>T]AACAGTTTCCGTGGACCTCACACTCGCCGTGGCCCTCAGAGTTTTGCTGGACAAGCCAAC-3'
Protein context (NP_004646.3, residues 258-278): TASVRSTETV[Asp268Asn]SGYRSFKRSD

ClinVar aggregate classification (germline): Conflicting classifications of pathogenicity. Review status: criteria provided, conflicting classifications (1 of 4 stars). 5 submissions from 5 submitters: Uncertain significance (4); Likely benign (1). Last evaluated 2026-07-27.

Conditions:
AXIN2-related disorder.
Hereditary cancer-predisposing syndrome. Also called: Hereditary Cancer Syndrome; Tumor predisposition; Hereditary neoplastic syndrome; Neoplastic Syndromes, Hereditary. Identifiers: Orphanet 140162, MedGen C0027672, MeSH D009386, MONDO:0015356.
Oligodontia-cancer predisposition syndrome. Also called: TOOTH AGENESIS-COLORECTAL CANCER SYNDROME. Identifiers: Orphanet 300576, MedGen C1837750, MONDO:0012075, OMIM 608615. Disease mechanism: loss of function.

Allele frequency attached by ClinVar (database versions not stated): gnomAD exomes below 0.00001 and 0.00002; ExAC 0.00001; gnomAD 0.00003.
gnomAD v4.1: 35 of 1,614,218 alleles (0.0022%); highest among the groups gnomAD compares: Non-Finnish European, 0.0028%; no homozygotes.

Submissions (5):

PreventionGenetics, part of Exact Sciences
Classification: Uncertain significance for AXIN2-related condition. Last evaluated: 2026-07-27. Review status: criteria provided, single submitter. Criteria: ACMG Guidelines, 2015. Collection method: clinical testing. Allele origin: germline.
Comment: The AXIN2 c.802G>A variant is predicted to result in the amino acid substitution p.Asp268Asn. To our knowledge, this variant has not been reported in any affected individuals in the literature. This variant is reported in 0.0040% of alleles in individuals of African descent in gnomAD and has conflicting interpretations in ClinVar, ranging from likely benign to uncertain (Variation ID: 418052). At this time, the clinical significance of this variant is uncertain due to the absence of conclusive functional and genetic evidence.

Labcorp Genetics (formerly Invitae), Labcorp
Classification: Uncertain significance for Oligodontia-cancer predisposition syndrome. Last evaluated: 2025-07-18. Review status: criteria provided, single submitter. Criteria: Invitae Variant Classification Sherloc (09022015). Collection method: clinical testing. Allele origin: germline.
Comment: This sequence change replaces aspartic acid, which is acidic and polar, with asparagine, which is neutral and polar, at codon 268 of the AXIN2 protein (p.Asp268Asn). This variant is present in population databases (rs745659837, gnomAD 0.0009%). This variant has not been reported in the literature in individuals affected with AXIN2-related conditions. ClinVar contains an entry for this variant (Variation ID: 418052). Invitae Evidence Modeling of protein sequence and biophysical properties (such as structural, functional, and spatial information, amino acid conservation, physicochemical variation, residue mobility, and thermodynamic stability) indicates that this missense variant is not expected to disrupt AXIN2 protein function with a negative predictive value of 80%. In summary, the available evidence is currently insufficient to determine the role of this variant in disease. Therefore, it has been classified as a Variant of Uncertain Significance.

Quest Diagnostics Nichols Institute San Juan Capistrano
Classification: Uncertain significance. Last evaluated: 2024-12-31. Review status: criteria provided, single submitter. Criteria: Quest Diagnostics criteria. Collection method: clinical testing. Allele origin: unknown.
Comment: The AXIN2 c.802G>A (p.Asp268Asn) variant has been identified in the published literature in reportedly healthy individuals (PMID: 29641532 (2018)). The frequency of this variant in the general population (Genome Aggregation Database) is uninformative in the assessment of its pathogenicity. Analysis of this variant using bioinformatics tools for the prediction of the effect of amino acid changes on protein structure and function yielded predictions that this variant is benign. Based on the available information, we are unable to determine the clinical significance of this variant.

Ambry Genetics
Classification: Likely benign for Hereditary cancer-predisposing syndrome. Last evaluated: 2023-11-18. Review status: criteria provided, single submitter. Criteria: Ambry Variant Classification Scheme 2023. Collection method: clinical testing. Allele origin: germline.

GeneDx
Classification: Uncertain significance. Last evaluated: 2023-04-14. Review status: criteria provided, single submitter. Criteria: GeneDx Variant Classification Process June 2021. Collection method: clinical testing. Allele origin: germline. Affected: yes.
Comment: Not observed at significant frequency in large population cohorts (gnomAD); In silico analysis supports that this missense variant does not alter protein structure/function; Has not been previously published as pathogenic or benign to our knowledge; This variant is associated with the following publications: (PMID: 29641532)

Literature cited by the submitters: PubMed 29641532 (cited by Quest Diagnostics Nichols Institute San Juan Capistrano and Ambry Genetics).